The following is an entry in ClinVar:

NM_032119.4(ADGRV1):c.11563G>T (p.Glu3855Ter)

Gene: ADGRV1 (adhesion G protein-coupled receptor V1; plus strand). Cytogenetic location: 5q14.3.
Variant type: single nucleotide variant.
Coding change: c.11563G>T on transcript NM_032119.4 (MANE Select); coding-DNA position 11563, G replaced by T.
Protein change: p.Glu3855Ter; replaces glutamic acid 3855 with a stop codon.
Molecular consequence: nonsense. On other transcripts: non-coding transcript variant (1).
Genome position (GRCh38, 1-based): chr5:90,755,168, G>T. VCF-style: chr5-90755168-G-T. GRCh37 (hg19) VCF-style: chr5-90050985-G-T.
Other names: short protein forms E3855*.
Identifiers: ClinVar variation 2013755 (VCV002013755.5), dbSNP rs774378608, ClinGen allele CA360367344.

ClinVar aggregate classification (germline): Pathogenic. Review status: criteria provided, multiple submitters, no conflicts (2 of 4 stars). 2 submissions from 2 submitters: Pathogenic (2). Last evaluated 2026-01-16.

Conditions:
Usher syndrome type 2C. Also called: Usher syndrome, type 2B; USHER SYNDROME, TYPE IIC. Identifiers: Orphanet 231178, Orphanet 886, MedGen C2931213, MONDO:0011558, OMIM 605472.

Submissions (2):

3billion
Classification: Pathogenic for Usher syndrome type 2C. Last evaluated: 2026-01-16. Review status: criteria provided, single submitter. Criteria: ACMG Guidelines, 2015. Collection method: clinical testing. Allele origin: germline. Affected: yes.
Comment: The variant is not observed in the gnomAD v4.1.0 dataset. Predicted Consequence/Location: Stop-gained (nonsense): predicted to result in a loss or disruption of normal protein function through nonsense-mediated decay (NMD) or protein truncation. Multiple pathogenic variants are reported downstream of the variant. The variant has been reported to be associated with ADGRV1-related disorder (ClinVar ID: VCV002013755 /PMID: 37217489). Therefore, this variant is classified as Pathogenic according to the recommendation of ACMG/AMP guideline.

Labcorp Genetics (formerly Invitae), Labcorp
Classification: Pathogenic. Last evaluated: 2021-11-28. Review status: criteria provided, single submitter. Criteria: Invitae Variant Classification Sherloc (09022015). Collection method: clinical testing. Allele origin: germline.
Comment: This sequence change creates a premature translational stop signal (p.Glu3855*) in the ADGRV1 gene. It is expected to result in an absent or disrupted protein product. Loss-of-function variants in ADGRV1 are known to be pathogenic (PMID: 19357117, 22135276, 22147658, 26226137, 26667666, 30029497, 32467589). This variant is not present in population databases (gnomAD no frequency). This variant has not been reported in the literature in individuals affected with ADGRV1-related conditions. For these reasons, this variant has been classified as Pathogenic.

Literature cited by the submitters: PubMed 37217489 (cited by 3billion); PubMed 19357117 (cited by Labcorp Genetics (formerly Invitae), Labcorp); PubMed 22135276 (cited by Labcorp Genetics (formerly Invitae), Labcorp); PubMed 22147658 (cited by Labcorp Genetics (formerly Invitae), Labcorp); PubMed 26226137 (cited by Labcorp Genetics (formerly Invitae), Labcorp); PubMed 26667666 (cited by Labcorp Genetics (formerly Invitae), Labcorp); PubMed 30029497 (cited by Labcorp Genetics (formerly Invitae), Labcorp); PubMed 32467589 (cited by Labcorp Genetics (formerly Invitae), Labcorp).